The following is an entry in ClinVar:

NM_015443.4(KANSL1):c.761C>T (p.Ser254Phe)

Gene: KANSL1 (KAT8 regulatory NSL complex subunit 1). Cytogenetic location: 17q21.31.
Variant type: single nucleotide variant.
Coding change: c.761C>T on transcript NM_015443.4 (MANE Select); coding-DNA position 761, C replaced by T.
Protein change: p.Ser254Phe; replaces serine 254 with phenylalanine.
Molecular consequence: missense variant. On other transcripts: intron variant (4).
Genome position (GRCh38, 1-based): chr17:46,171,383, G>A on the plus strand (C>T on the coding strand, the complement: KANSL1 is on the minus strand). VCF-style: chr17-46171383-G-A. GRCh37 (hg19) VCF-style: chr17-44248749-G-A.
Other names: c.23+52288C>T (NM_001405882.1, NM_001405885.1, NM_001405884.1 and 1 more transcripts); c.761C>T, p.Ser254Phe (NM_001193465.2, NM_001193466.2, NM_001379198.1 and 18 more transcripts); short protein forms S254F.
Identifiers: ClinVar variation 2647861 (VCV002647861.24), dbSNP rs2545083775, ClinGen allele CA399980824.
Genomic context (GRCh38, chr17:46,171,383, plus strand): 5'-AGAATGGAAGACAGGGGAGACTTTTTACCCTCCAATTTGACACCCCCCAAGTTAGAGCTG[G>A]AGTCTGTACCAGGTGATAATCTACTGCTTCCTTGAAGTGCCGGCTGTTCCATGGAATTGA-3'
Protein context (NP_056258.1, residues 244-264): GSSRLSPGTD[Ser254Phe]SSNLGGVKLE

ClinVar aggregate classification (germline): Uncertain significance (1 of 4 stars; one submission).

Allele frequency attached by ClinVar (database versions not stated): gnomAD exomes below 0.00001.
gnomAD v4.1: 3 of 1,614,190 alleles (0.00019%); highest among the groups gnomAD compares: African/African-American, 0.0013%; no homozygotes.

Submission:

CeGaT Center for Human Genetics Tuebingen
Classification: Uncertain significance. Last evaluated: 2023-08-01. Review status: criteria provided, single submitter. Criteria: CeGaT Center For Human Genetics Tuebingen Variant Classification Criteria Version 2. Collection method: clinical testing. Allele origin: germline. Affected: yes. Observed: 1 variant allele.
Comment: KANSL1: PM2, BP4